The following is an entry in ClinVar:

ClinVar aggregate classification (germline): Uncertain significance (1 of 4 stars; one submission).

Conditions:
Cystic fibrosis (CF). Also called: MUCOVISCIDOSIS. Identifiers: Orphanet 586, MedGen C0010674, MONDO:0009061, OMIM 219700. Disease mechanism: loss of function.

Allele frequency attached by ClinVar (database versions not stated): gnomAD exomes below 0.00001; TOPMed below 0.00001.
gnomAD v4.1: 1 of 1,614,146 alleles (0.000062%); highest among the groups gnomAD compares: Non-Finnish European, 0.000085%; no homozygotes.

Submission:

Ambry Genetics
Classification: Uncertain significance for Cystic fibrosis. Last evaluated: 2023-06-27. Review status: criteria provided, single submitter. Criteria: Ambry Variant Classification Scheme 2023. Collection method: clinical testing. Allele origin: germline.
Comment: The p.D727Y variant (also known as c.2179G>T), located in coding exon 14 of the CFTR gene, results from a G to T substitution at nucleotide position 2179. The aspartic acid at codon 727 is replaced by tyrosine, an amino acid with highly dissimilar properties. This amino acid position is conserved. In addition, the in silico prediction for this alteration is inconclusive. Since supporting evidence is limited at this time, the clinical significance of this alteration remains unclear.

NM_000492.4(CFTR):c.2179G>T (p.Asp727Tyr)

Gene: CFTR (CF transmembrane conductance regulator; plus strand). Cytogenetic location: 7q31.2.
Variant type: single nucleotide variant.
Coding change: c.2179G>T on transcript NM_000492.4 (MANE Select); coding-DNA position 2179, G replaced by T.
Protein change: p.Asp727Tyr; replaces aspartic acid 727 with tyrosine.
Molecular consequence: missense variant.
Genome position (GRCh38, 1-based): chr7:117,592,346, G>T. VCF-style: chr7-117592346-G-T. GRCh37 (hg19) VCF-style: chr7-117232400-G-T.
Other names: short protein forms D727Y.
Identifiers: ClinVar variation 2624952 (VCV002624952.2), dbSNP rs1792043487, ClinGen allele CA368980267.
Genomic context (GRCh38, chr7:117,592,346, plus strand): 5'-TCTATACGAAAATTTTCCATTGTGCAAAAGACTCCCTTACAAATGAATGGCATCGAAGAG[G>T]ATTCTGATGAGCCTTTAGAGAGAAGGCTGTCCTTAGTACCAGATTCTGAGCAGGGAGAGG-3'
Protein context (NP_000483.3, residues 717-737): TPLQMNGIEE[Asp727Tyr]SDEPLERRLS